The following is an entry in ClinVar:

NM_032520.5(GNPTG):c.700C>A (p.Pro234Thr)

Gene: GNPTG (N-acetylglucosamine-1-phosphate transferase subunit gamma; plus strand). Cytogenetic location: 16p13.3.
Variant type: single nucleotide variant.
Coding change: c.700C>A on transcript NM_032520.5 (MANE Select); coding-DNA position 700, C replaced by A.
Protein change: p.Pro234Thr; replaces proline 234 with threonine.
Molecular consequence: missense variant.
Genome position (GRCh38, 1-based): chr16:1,362,701, C>A. VCF-style: chr16-1362701-C-A. GRCh37 (hg19) VCF-style: chr16-1412702-C-A.
Other names: short protein forms P234T.
Identifiers: ClinVar variation 2199592 (VCV002199592.2), dbSNP rs775816256, ClinGen allele CA7807887.

ClinVar aggregate classification (germline): Uncertain significance. Review status: criteria provided, multiple submitters, no conflicts (2 of 4 stars). 2 submissions from 2 submitters: Uncertain significance (2). Last evaluated 2021-12-20.

Allele frequency attached by ClinVar (database versions not stated): ExAC 0.00001; gnomAD exomes 0.00001; TOPMed 0.00001.
gnomAD v4.1: 15 of 1,614,058 alleles (0.00093%); highest among the groups gnomAD compares: Non-Finnish European, 0.0012%; no homozygotes.

Submissions (2):

Labcorp Genetics (formerly Invitae), Labcorp
Classification: Uncertain significance. Last evaluated: 2021-12-20. Review status: criteria provided, single submitter. Criteria: Invitae Variant Classification Sherloc (09022015). Collection method: clinical testing. Allele origin: germline.
Comment: This sequence change replaces proline, which is neutral and non-polar, with threonine, which is neutral and polar, at codon 234 of the GNPTG protein (p.Pro234Thr). This variant is present in population databases (rs775816256, gnomAD 0.0009%). This variant has not been reported in the literature in individuals affected with GNPTG-related conditions. Algorithms developed to predict the effect of missense changes on protein structure and function output the following: SIFT: "Tolerated"; PolyPhen-2: "Benign"; Align-GVGD: "Class C0". The threonine amino acid residue is found in multiple mammalian species, which suggests that this missense change does not adversely affect protein function. In summary, the available evidence is currently insufficient to determine the role of this variant in disease. Therefore, it has been classified as a Variant of Uncertain Significance.

Breakthrough Genomics
Classification: Uncertain significance. Review status: criteria provided, single submitter. Criteria: ACMG Guidelines, 2015. Collection method: not provided. Allele origin: germline. Inheritance: Autosomal recessive inheritance. Affected: yes.